The following is an entry in ClinVar:

NM_002225.5(IVD):c.667A>G (p.Thr223Ala)

Gene: IVD (isovaleryl-CoA dehydrogenase; plus strand). Cytogenetic location: 15q15.1.
Variant type: single nucleotide variant.
Coding change: c.667A>G on transcript NM_002225.5 (MANE Select); coding-DNA position 667, A replaced by G.
Protein change: p.Thr223Ala; replaces threonine 223 with alanine.
Molecular consequence: missense variant. On other transcripts: non-coding transcript variant (1).
Genome position (GRCh38, 1-based): chr15:40,411,671, A>G. VCF-style: chr15-40411671-A-G. GRCh37 (hg19) VCF-style: chr15-40703870-A-G.
Other names: c.577A>G, p.Thr193Ala (NM_001159508.3); c.619A>G, p.Thr207Ala (NM_001354597.3); c.667A>G, p.Thr223Ala (NM_001354598.3, NM_001354601.3); c.754A>G, p.Thr252Ala (NM_001354599.3, NM_001354600.3); short protein forms T193A, T207A, T223A, T252A.
Identifiers: ClinVar variation 1707273 (VCV001707273.2), dbSNP rs1311788750, ClinGen allele CA391717889.

ClinVar aggregate classification (germline): Uncertain significance (1 of 4 stars; one submission).

Allele frequency attached by ClinVar (database versions not stated): gnomAD exomes below 0.00001; TOPMed 0.00002.
gnomAD v4.1: 3 of 1,614,190 alleles (0.00019%); highest among the groups gnomAD compares: African/African-American, 0.0027%; no homozygotes.

Submission:

GeneDx
Classification: Uncertain significance. Last evaluated: 2022-03-21. Review status: criteria provided, single submitter. Criteria: GeneDx Variant Classification Process June 2021. Collection method: clinical testing. Allele origin: germline. Affected: yes.
Comment: Not observed at significant frequency in large population cohorts (gnomAD); In silico analysis supports that this missense variant has a deleterious effect on protein structure/function; Has not been previously published as pathogenic or benign to our knowledge